The following is an entry in ClinVar:

ClinVar aggregate classification (germline): Likely benign. Review status: criteria provided, multiple submitters, no conflicts (2 of 4 stars). 4 submissions from 4 submitters: Likely benign (3). 1 of the submissions does not count toward it. Last evaluated 2025-06-13.

Conditions:
AKAP9-related disorder. Also called: AKAP9-related condition.
Cardiovascular phenotype. Identifiers: MedGen CN230736.
Long QT syndrome (LQTS). Identifiers: MedGen C0023976, MeSH D008133, MONDO:0002442. Disease mechanism: loss of function. Inheritance: Various modes of inheritance.

Allele frequency attached by ClinVar (database versions not stated): ExAC 0.00004; gnomAD 0.00004 and 0.00005; ESP Exome Variant Server 0.00008; TOPMed 0.00008; 1000 Genomes Project 0.00020; 1000 Genomes Project 30x 0.00031.
gnomAD v4.1: 74 of 1,614,040 alleles (0.0046%); highest among the groups gnomAD compares: Middle Eastern, 0.05%; no homozygotes.

Submissions (4):

Labcorp Genetics (formerly Invitae), Labcorp
Classification: Likely benign for Long QT syndrome. Last evaluated: 2025-06-13. Review status: criteria provided, single submitter. Criteria: Invitae Variant Classification Sherloc (09022015). Collection method: clinical testing. Allele origin: germline.

Blueprint Genetics
Classification: Likely benign. Last evaluated: 2024-09-03. Review status: criteria provided, single submitter. Criteria: ACMG Guidelines, 2015. Collection method: clinical testing. Allele origin: germline.

Ambry Genetics
Classification: Likely benign for Cardiovascular phenotype. Last evaluated: 2017-07-17. Review status: criteria provided, single submitter. Criteria: Ambry Variant Classification Scheme 2023. Collection method: clinical testing. Allele origin: germline.

PreventionGenetics, part of Exact Sciences
Classification: Likely benign for AKAP9-related condition. Last evaluated: 2019-06-18. Review status: no assertion criteria provided. Collection method: clinical testing. Allele origin: germline. Not counted in ClinVar's aggregate classification.
Comment: This variant is classified as likely benign based on ACMG/AMP sequence variant interpretation guidelines (Richards et al. 2015 PMID: 25741868, with internal and published modifications).

NM_005751.5(AKAP9):c.7074A>G (p.Lys2358=)

Gene: AKAP9 (A-kinase anchoring protein 9; plus strand). Cytogenetic location: 7q21.2.
Variant type: single nucleotide variant.
Coding change: c.7074A>G on transcript NM_005751.5 (MANE Select); coding-DNA position 7074, A replaced by G.
Protein change: p.Lys2358=; no amino-acid change (lysine 2358 retained).
Molecular consequence: synonymous variant.
Genome position (GRCh38, 1-based): chr7:92,079,207, A>G. VCF-style: chr7-92079207-A-G. GRCh37 (hg19) VCF-style: chr7-91708521-A-G.
Other names: c.1719A>G, p.Lys573= (NM_001379277.1); c.7050A>G, p.Lys2350= (NM_147185.3).
Identifiers: ClinVar variation 136336 (VCV000136336.17), dbSNP rs150968594, ClinGen allele CA289355.